The following is an entry in ClinVar:

ClinVar aggregate classification (germline): Uncertain significance. Review status: criteria provided, multiple submitters, no conflicts (2 of 4 stars). 2 submissions from 2 submitters: Uncertain significance (2). Last evaluated 2022-10-17.

Conditions:
Inborn genetic diseases. Identifiers: MedGen C0950123, MeSH D030342.
Methylcobalamin deficiency type cblG (HMAG). Also called: HOMOCYSTINURIA-MEGALOBLASTIC ANEMIA, cblG TYPE; HOMOCYSTINURIA-MEGALOBLASTIC ANEMIA DUE TO DEFECT IN COBALAMIN METABOLISM, cblG COMPLEMENTATION TYPE; Functional methionine synthase deficiency type cblG; HOMOCYSTINURIA-MEGALOBLASTIC ANEMIA, cblG COMPLEMENTATION TYPE. Identifiers: Orphanet 2170, Orphanet 622, MedGen C1855128, MONDO:0009609, OMIM 250940.

Allele frequency attached by ClinVar (database versions not stated): TOPMed 0.00001; ExAC 0.00002; gnomAD exomes 0.00002.
gnomAD v4.1: 11 of 1,614,212 alleles (0.00068%); highest among the groups gnomAD compares: Admixed American, 0.017%; no homozygotes.

Submissions (2):

Labcorp Genetics (formerly Invitae), Labcorp
Classification: Uncertain significance for Methylcobalamin deficiency type cblG. Last evaluated: 2022-10-17. Review status: criteria provided, single submitter. Criteria: Invitae Variant Classification Sherloc (09022015). Collection method: clinical testing. Allele origin: germline.
Comment: This sequence change replaces glutamine, which is neutral and polar, with leucine, which is neutral and non-polar, at codon 941 of the MTR protein (p.Gln941Leu). This variant is present in population databases (rs761601954, gnomAD 0.02%). This variant has not been reported in the literature in individuals affected with MTR-related conditions. Advanced modeling of protein sequence and biophysical properties (such as structural, functional, and spatial information, amino acid conservation, physicochemical variation, residue mobility, and thermodynamic stability) performed at Invitae indicates that this missense variant is not expected to disrupt MTR protein function. In summary, the available evidence is currently insufficient to determine the role of this variant in disease. Therefore, it has been classified as a Variant of Uncertain Significance.

Ambry Genetics
Classification: Uncertain significance for Inborn genetic diseases. Last evaluated: 2021-03-26. Review status: criteria provided, single submitter. Criteria: Ambry Variant Classification Scheme 2023. Collection method: clinical testing. Allele origin: germline.
Comment: The c.2822A>T (p.Q941L) alteration is located in exon 27 (coding exon 27) of the MTR gene. This alteration results from a A to T substitution at nucleotide position 2822, causing the glutamine (Q) at amino acid position 941 to be replaced by a leucine (L). The p.Q941L alteration is predicted to be tolerated by in silico analysis. Based on insufficient or conflicting evidence, the clinical significance of this alteration remains unclear.

NM_000254.3(MTR):c.2822A>T (p.Gln941Leu)

Gene: MTR (5-methyltetrahydrofolate-homocysteine methyltransferase; plus strand). Cytogenetic location: 1q43.
Variant type: single nucleotide variant.
Coding change: c.2822A>T on transcript NM_000254.3 (MANE Select); coding-DNA position 2822, A replaced by T.
Protein change: p.Gln941Leu; replaces glutamine 941 with leucine.
Molecular consequence: missense variant.
Genome position (GRCh38, 1-based): chr1:236,886,338, A>T. VCF-style: chr1-236886338-A-T. GRCh37 (hg19) VCF-style: chr1-237049638-A-T.
Other names: c.2822A>T (NM_000254.2); c.2669A>T, p.Gln890Leu (NM_001291939.1); c.1601A>T, p.Gln534Leu (NM_001291940.2); c.2633A>T, p.Gln878Leu (NM_001410942.1); short protein forms Q941L, Q534L, Q878L, Q890L.
Identifiers: ClinVar variation 1928780 (VCV001928780.3), dbSNP rs761601954, ClinGen allele CA1474523.